The following is an entry in ClinVar:

ClinVar aggregate classification (germline): Uncertain significance. Review status: criteria provided, multiple submitters, no conflicts (2 of 4 stars). 2 submissions from 2 submitters: Uncertain significance (2). Last evaluated 2024-12-12.

Conditions:
Dilated cardiomyopathy 2B. Identifiers: Orphanet 154, MedGen C3553409, MONDO:0013848, OMIM 614672.
Cardiovascular phenotype. Identifiers: MedGen CN230736.

Allele frequency attached by ClinVar (database versions not stated): gnomAD 0.00001.
gnomAD v4.1: 2 of 1,613,102 alleles (0.00012%); highest among the groups gnomAD compares: Non-Finnish European, 0.00017%; no homozygotes.

Submissions (2):

Labcorp Genetics (formerly Invitae), Labcorp
Classification: Uncertain significance for Dilated cardiomyopathy 2B. Last evaluated: 2024-12-12. Review status: criteria provided, single submitter. Criteria: Invitae Variant Classification Sherloc (09022015). Collection method: clinical testing. Allele origin: germline.
Comment: This sequence change replaces glycine, which is neutral and non-polar, with alanine, which is neutral and non-polar, at codon 172 of the GATAD1 protein (p.Gly172Ala). This variant is present in population databases (no rsID available, gnomAD 0.007%). This variant has not been reported in the literature in individuals affected with GATAD1-related conditions. ClinVar contains an entry for this variant (Variation ID: 643238). Invitae Evidence Modeling of protein sequence and biophysical properties (such as structural, functional, and spatial information, amino acid conservation, physicochemical variation, residue mobility, and thermodynamic stability) indicates that this missense variant is not expected to disrupt GATAD1 protein function with a negative predictive value of 80%. In summary, the available evidence is currently insufficient to determine the role of this variant in disease. Therefore, it has been classified as a Variant of Uncertain Significance.

Ambry Genetics
Classification: Uncertain significance for Cardiovascular phenotype. Last evaluated: 2023-09-07. Review status: criteria provided, single submitter. Criteria: Ambry Variant Classification Scheme 2023. Collection method: clinical testing. Allele origin: germline.
Comment: The p.G172A variant (also known as c.515G>C), located in coding exon 4 of the GATAD1 gene, results from a G to C substitution at nucleotide position 515. The glycine at codon 172 is replaced by alanine, an amino acid with similar properties. This amino acid position is highly conserved in available vertebrate species. In addition, this alteration is predicted to be deleterious by in silico analysis. The evidence for this gene-disease relationship is limited; therefore, the clinical significance of this alteration is unclear.

NM_021167.5(GATAD1):c.515G>C (p.Gly172Ala)

Gene: GATAD1 (GATA zinc finger domain containing 1; plus strand). Cytogenetic location: 7q21.2.
Variant type: single nucleotide variant.
Coding change: c.515G>C on transcript NM_021167.5 (MANE Select); coding-DNA position 515, G replaced by C.
Protein change: p.Gly172Ala; replaces glycine 172 with alanine.
Molecular consequence: missense variant. On other transcripts: non-coding transcript variant (1).
Genome position (GRCh38, 1-based): chr7:92,454,581, G>C. VCF-style: chr7-92454581-G-C. GRCh37 (hg19) VCF-style: chr7-92083895-G-C.
Other names: c.515G>C (NM_021167.3); short protein forms G172A.
Identifiers: ClinVar variation 643238 (VCV000643238.10), dbSNP rs1237515001, ClinGen allele CA368160388.